The following is an entry in ClinVar:

NM_133259.4(LRPPRC):c.785G>A (p.Gly262Glu)

Gene: LRPPRC (leucine rich pentatricopeptide repeat containing; minus strand). Cytogenetic location: 2p21.
Variant type: single nucleotide variant.
Coding change: c.785G>A on transcript NM_133259.4 (MANE Select); coding-DNA position 785, G replaced by A.
Protein change: p.Gly262Glu; replaces glycine 262 with glutamic acid.
Molecular consequence: missense variant.
Genome position (GRCh38, 1-based): chr2:43,975,170, C>T on the plus strand (G>A on the coding strand, the complement: LRPPRC is on the minus strand). VCF-style: chr2-43975170-C-T. GRCh37 (hg19) VCF-style: chr2-44202309-C-T.
Other names: c.785G>A (NM_133259.3); short protein forms G262E.
Identifiers: ClinVar variation 1925160 (VCV001925160.3), dbSNP rs902165955, ClinGen allele CA46444895.
Genomic context (GRCh38, chr2:43,975,170, plus strand): 5'-TCGCCCTTCTCAGCATATGCATTCAATAATGCGAGGTATGTGTCTGGACCAGGCTCAATT[C>T]CGGCATCTCTCATCACTGTGAGAATGTTTTCTGCATTCTCCATATCACTACAAGTTAATT-3'
Protein context (NP_573566.2, residues 252-272): ENILTVMRDA[Gly262Glu]IEPGPDTYLA

ClinVar aggregate classification (germline): Uncertain significance. Review status: criteria provided, multiple submitters, no conflicts (2 of 4 stars). 2 submissions from 2 submitters: Uncertain significance (2). Last evaluated 2025-03-18.

Conditions:
Inborn genetic diseases. Identifiers: MedGen C0950123, MeSH D030342.

Allele frequency attached by ClinVar (database versions not stated): gnomAD 0.00001; TOPMed 0.00001.
gnomAD v4.1: 9 of 1,613,344 alleles (0.00056%); highest among the groups gnomAD compares: Non-Finnish European, 0.00068%; no homozygotes.

Submissions (2):

Ambry Genetics
Classification: Uncertain significance for Inborn genetic diseases. Last evaluated: 2025-03-18. Review status: criteria provided, single submitter. Criteria: Ambry Variant Classification Scheme 2023. Collection method: clinical testing. Allele origin: germline.

Labcorp Genetics (formerly Invitae), Labcorp
Classification: Uncertain significance. Last evaluated: 2022-03-04. Review status: criteria provided, single submitter. Criteria: Invitae Variant Classification Sherloc (09022015). Collection method: clinical testing. Allele origin: germline.
Comment: This sequence change replaces glycine, which is neutral and non-polar, with glutamic acid, which is acidic and polar, at codon 262 of the LRPPRC protein (p.Gly262Glu). This variant is present in population databases (no rsID available, gnomAD no frequency). This variant has not been reported in the literature in individuals affected with LRPPRC-related conditions. Advanced modeling of protein sequence and biophysical properties (such as structural, functional, and spatial information, amino acid conservation, physicochemical variation, residue mobility, and thermodynamic stability) performed at Invitae indicates that this missense variant is expected to disrupt LRPPRC protein function. In summary, the available evidence is currently insufficient to determine the role of this variant in disease. Therefore, it has been classified as a Variant of Uncertain Significance.